The following is an entry in ClinVar:

NM_000548.5(TSC2):c.5060G>C (p.Cys1687Ser)

Gene: TSC2 (TSC complex subunit 2; plus strand). Cytogenetic location: 16p13.3.
Variant type: single nucleotide variant.
Coding change: c.5060G>C on transcript NM_000548.5 (MANE Select); coding-DNA position 5060, G replaced by C.
Protein change: p.Cys1687Ser; replaces cysteine 1687 with serine.
Molecular consequence: missense variant. On other transcripts: non-coding transcript variant (5).
Genome position (GRCh38, 1-based): chr16:2,087,933, G>C. VCF-style: chr16-2087933-G-C. GRCh37 (hg19) VCF-style: chr16-2137934-G-C.
Other names: c.4259G>C, p.Cys1420Ser (NM_001406688.1, NM_001406687.1); c.3647G>C, p.Cys1216Ser (NM_001406689.1); c.3587G>C, p.Cys1196Ser (NM_001406690.1); c.3584G>C, p.Cys1195Ser (NM_001406691.1); c.3518G>C, p.Cys1173Ser (NM_001406692.1, NM_001406693.1, NM_001406694.1); c.3515G>C, p.Cys1172Ser (NM_001406695.1, NM_001406696.1, NM_001406697.1); c.3257G>C, p.Cys1086Ser (NM_001406698.1); c.4931G>C, p.Cys1644Ser (NM_021055.3, NM_001370405.1); and 26 more; short protein forms C1173S, C1443S, C1464S, C1572S, C1616S, C1643S, C1644S, C1664S.
Identifiers: ClinVar variation 5031299 (VCV005031299.1).

ClinVar aggregate classification (germline): Uncertain significance (1 of 4 stars; one submission).

Conditions:
Hereditary cancer-predisposing syndrome. Also called: Neoplastic Syndromes, Hereditary; Tumor predisposition; Hereditary neoplastic syndrome; Hereditary Cancer Syndrome. Identifiers: Orphanet 140162, MedGen C0027672, MeSH D009386, MONDO:0015356.

Submission:

Ambry Genetics
Classification: Uncertain significance for Hereditary cancer-predisposing syndrome. Last evaluated: 2026-06-16. Review status: criteria provided, single submitter. Criteria: Ambry Variant Classification Scheme 2023. Collection method: clinical testing. Allele origin: germline.
Comment: The p.C1687S variant (also known as c.5060G>C), located in coding exon 38 of the TSC2 gene, results from a G to C substitution at nucleotide position 5060. The cysteine at codon 1687 is replaced by serine, an amino acid with dissimilar properties. This amino acid position is conserved. In addition, this alteration is predicted to be deleterious by in silico analysis. Based on the available evidence, the clinical significance of this variant remains unclear.